The following is an entry in ClinVar:

NM_006204.4(PDE6C):c.1482+1G>T

Gene: PDE6C (phosphodiesterase 6C; plus strand). Cytogenetic location: 10q23.33.
Variant type: single nucleotide variant.
Coding change: c.1482+1G>T on transcript NM_006204.4 (MANE Select); the canonical splice donor site of the intron after coding-DNA position 1482, G replaced by T.
Molecular consequence: splice donor variant.
Genome position (GRCh38, 1-based): chr10:93,637,064, G>T. VCF-style: chr10-93637064-G-T. GRCh37 (hg19) VCF-style: chr10-95396821-G-T.
Identifiers: ClinVar variation 3019116 (VCV003019116.3), dbSNP rs150008081, ClinGen allele CA5610193.

ClinVar aggregate classification (germline): Likely pathogenic (1 of 4 stars; one submission).

Allele frequency attached by ClinVar (database versions not stated): ESP Exome Variant Server 0.00008.
gnomAD v4.1: 19 of 1,563,500 alleles (0.0012%); highest among the groups gnomAD compares: Non-Finnish European, 0.0015%; no homozygotes.

Submission:

Labcorp Genetics (formerly Invitae), Labcorp
Classification: Likely pathogenic. Last evaluated: 2024-05-01. Review status: criteria provided, single submitter. Criteria: Invitae Variant Classification Sherloc (09022015). Collection method: clinical testing. Allele origin: germline.
Comment: This sequence change affects a donor splice site in intron 11 of the PDE6C gene. It is expected to disrupt RNA splicing. Variants that disrupt the donor or acceptor splice site typically lead to a loss of protein function (PMID: 16199547), and loss-of-function variants in PDE6C are known to be pathogenic (PMID: 19887631, 23776498, 26103963, 30080950). This variant is present in population databases (rs150008081, gnomAD 0.007%). This variant has not been reported in the literature in individuals affected with PDE6C-related conditions. Algorithms developed to predict the effect of sequence changes on RNA splicing suggest that this variant may disrupt the consensus splice site. In summary, the currently available evidence indicates that the variant is pathogenic, but additional data are needed to prove that conclusively. Therefore, this variant has been classified as Likely Pathogenic.

Literature cited by the submitters: PubMed 16199547; PubMed 19887631; PubMed 23776498; PubMed 26103963; PubMed 30080950.